The following is an entry in ClinVar:

NC_000009.11:g.(?_32453279)_(36276941_?)dup

Genes: ANKRD18B (ankyrin repeat domain 18B; plus strand), APTX (aprataxin; minus strand), AQP3 (aquaporin 3 (Gill blood group); minus strand), AQP7 (aquaporin 7; minus strand), ARHGEF39 (Rho guanine nucleotide exchange factor 39; minus strand) and 72 more. Cytogenetic location: 9p21.1-13.3.
Variant type: Duplication.
Identifiers: ClinVar variation 3245304 (VCV003245304.1).

ClinVar aggregate classification (germline): Uncertain significance (1 of 4 stars; one submission).

Submission:

Labcorp Genetics (formerly Invitae), Labcorp
Classification: Uncertain significance. Last evaluated: 2022-08-03. Review status: criteria provided, single submitter. Criteria: Invitae Variant Classification Sherloc (09022015). Collection method: clinical testing. Allele origin: unknown.
Comment: This variant has not been reported in the literature in individuals affected with IL11RA-related conditions. In summary, the available evidence is currently insufficient to determine the role of this variant in disease. Therefore, it has been classified as a Variant of Uncertain Significance. A copy number gain of the genomic region encompassing the full coding sequence of the IL11RA gene has been identified. The boundaries of this event are unknown as they extend beyond the assayed region for this gene and therefore may encompass additional genes. As the precise location of this event is unknown, it may be in tandem or it may be located elsewhere in the genome.